The following is an entry in ClinVar:

ClinVar aggregate classification (germline): Uncertain significance. Review status: criteria provided, multiple submitters, no conflicts (2 of 4 stars). 2 submissions from 2 submitters: Uncertain significance (2). Last evaluated 2019-10-03.

Conditions:
Charcot-Marie-Tooth disease type 4. Also called: Charcot-Marie-Tooth, Type 4; Charcot-Marie-Tooth disease, type IV. Identifiers: Orphanet 64749, MedGen C4082197, MONDO:0018995.
Charcot-Marie-Tooth disease type 4B2. Also called: Charcot-Marie-Tooth Neuropathy Type 4B2; CMT 4B2; CHARCOT-MARIE-TOOTH DISEASE, DEMYELINATING, TYPE 4B2; CHARCOT-MARIE-TOOTH DISEASE, WITH FOCALLY FOLDED MYELIN SHEATHS, AUTOSOMAL RECESSIVE, TYPE 4B2. Identifiers: Orphanet 99956, MedGen C1858278, MONDO:0011475, OMIM 604563.

Allele frequency attached by ClinVar (database versions not stated): gnomAD exomes 0.00003 and 0.00001; TOPMed below 0.00001; ExAC 0.00001.

Submissions (2):

Labcorp Genetics (formerly Invitae), Labcorp
Classification: Uncertain significance for Charcot-Marie-Tooth disease type 4. Last evaluated: 2019-10-03. Review status: criteria provided, single submitter. Criteria: Invitae Variant Classification Sherloc (09022015). Collection method: clinical testing. Allele origin: germline.
Comment: This sequence change replaces alanine with threonine at codon 633 of the SBF2 protein (p.Ala633Thr). The alanine residue is highly conserved and there is a small physicochemical difference between alanine and threonine. This variant is present in population databases (rs775198025, ExAC 0.006%). This variant has not been reported in the literature in individuals with SBF2-related conditions. Algorithms developed to predict the effect of missense changes on protein structure and function are either unavailable or do not agree on the potential impact of this missense change (SIFT: "Tolerated"; PolyPhen-2: "Possibly Damaging"; Align-GVGD: "Class C0"). In summary, the available evidence is currently insufficient to determine the role of this variant in disease. Therefore, it has been classified as a Variant of Uncertain Significance.

Illumina Laboratory Services, Illumina
Classification: Uncertain significance for Charcot-Marie-Tooth disease type 4B2. Last evaluated: 2018-01-13. Review status: criteria provided, single submitter. Criteria: ICSL Variant Classification Criteria 13 December 2019. Collection method: clinical testing. Allele origin: germline.

NM_030962.4(SBF2):c.1897G>A (p.Ala633Thr)

Genes: SBF2 (SET binding factor 2; minus strand), LOC101928008 (uncharacterized LOC101928008; plus strand). Cytogenetic location: 11p15.4.
Variant type: single nucleotide variant.
Coding change: c.1897G>A on transcript NM_030962.4 (MANE Select); coding-DNA position 1897, G replaced by A.
Protein change: p.Ala633Thr; replaces alanine 633 with threonine.
Molecular consequence: missense variant.
Genome position (GRCh38, 1-based): chr11:9,895,975, C>T on the plus strand (G>A on the coding strand, the complement: SBF2 is on the minus strand). VCF-style: chr11-9895975-C-T. GRCh37 (hg19) VCF-style: chr11-9917522-C-T.
Other names: c.1897G>A, p.Ala633Thr (NM_001386339.1); c.1768G>A, p.Ala590Thr (NM_001386342.1); short protein forms A633T, A590T.
Identifiers: ClinVar variation 883049 (VCV000883049.11), dbSNP rs775198025, ClinGen allele CA5881695.